The following is an entry in ClinVar:

ClinVar aggregate classification (germline): Uncertain significance (1 of 4 stars; one submission).

Conditions:
Inborn genetic diseases. Identifiers: MedGen C0950123, MeSH D030342.

Submission:

Ambry Genetics
Classification: Uncertain significance for Inborn genetic diseases. Last evaluated: 2025-01-18. Review status: criteria provided, single submitter. Criteria: Ambry Variant Classification Scheme 2023. Collection method: clinical testing. Allele origin: germline.
Comment: The p.P350S variant (also known as c.1048C>T), located in coding exon 5 of the SH2B3 gene, results from a C to T substitution at nucleotide position 1048. The proline at codon 350 is replaced by serine, an amino acid with similar properties. This amino acid position is conserved. In addition, this alteration is predicted to be tolerated by in silico analysis. Based on the available evidence, the clinical significance of this variant remains unclear.

NM_005475.3(SH2B3):c.1048C>T (p.Pro350Ser)

Gene: SH2B3 (SH2B adaptor protein 3; plus strand). Cytogenetic location: 12q24.12.
Variant type: single nucleotide variant.
Coding change: c.1048C>T on transcript NM_005475.3 (MANE Select); coding-DNA position 1048, C replaced by T.
Protein change: p.Pro350Ser; replaces proline 350 with serine.
Molecular consequence: missense variant.
Genome position (GRCh38, 1-based): chr12:111,447,356, C>T. VCF-style: chr12-111447356-C-T. GRCh37 (hg19) VCF-style: chr12-111885160-C-T.
Other names: c.442C>T, p.Pro148Ser (NM_001291424.1); short protein forms P148S, P350S.
Identifiers: ClinVar variation 3795118 (VCV003795118.1).